The following is an entry in ClinVar:

NM_006648.4(WNK2):c.5339C>T (p.Ser1780Phe)

Gene: WNK2 (WNK lysine deficient protein kinase 2; plus strand). Cytogenetic location: 9q22.31.
Variant type: single nucleotide variant.
Coding change: c.5339C>T on transcript NM_006648.4 (MANE Select); coding-DNA position 5339, C replaced by T.
Protein change: p.Ser1780Phe; replaces serine 1780 with phenylalanine.
Molecular consequence: missense variant.
Genome position (GRCh38, 1-based): chr9:93,292,804, C>T. VCF-style: chr9-93292804-C-T. GRCh37 (hg19) VCF-style: chr9-96055086-C-T.
Other names: c.5450C>T, p.Ser1817Phe (NM_001282394.3); short protein forms S1780F, S1817F.
Identifiers: ClinVar variation 4826244 (VCV004826244.1).
Genomic context (GRCh38, chr9:93,292,804, plus strand): 5'-CCTCCCCCCACAGCCTGAGATACTCTGCCCCACCCGACGTCTACCTGGACGAGGCCCCCT[C>T]CAGCCCCGACGTGAAGCTGGCAGTGCGGCGGGCGCAGACGGCCTCCTCCATCGAGGTCGG-3'
Protein context (NP_006639.3, residues 1770-1790): PPDVYLDEAP[Ser1780Phe]SPDVKLAVRR

ClinVar aggregate classification (germline): Uncertain significance (1 of 4 stars; one submission).

gnomAD v4.1: 2 of 1,541,592 alleles (0.00013%); highest among the groups gnomAD compares: Non-Finnish European, 0.00017%; no homozygotes.

Submission:

Ambry Genetics
Classification: Uncertain significance. Last evaluated: 2026-03-08. Review status: criteria provided, single submitter. Criteria: Ambry Variant Classification Scheme 2023. Collection method: clinical testing. Allele origin: germline.
Comment: The p.S1780F variant (also known as c.5339C>T), located in coding exon 22 of the WNK2 gene, results from a C to T substitution at nucleotide position 5339. The serine at codon 1780 is replaced by phenylalanine, an amino acid with highly dissimilar properties. This amino acid position is conserved. In addition, this alteration is predicted to be tolerated by in silico analysis. Based on the available evidence, the clinical significance of this variant remains unclear.